The following is an entry in ClinVar:

NM_001918.5(DBT):c.51+1G>T

Gene: DBT (dihydrolipoamide branched chain transacylase E2; minus strand). Cytogenetic location: 1p21.2.
Variant type: single nucleotide variant.
Coding change: c.51+1G>T on transcript NM_001918.5 (MANE Select); the canonical splice donor site of the intron after coding-DNA position 51, G replaced by T.
Molecular consequence: splice donor variant.
Genome position (GRCh38, 1-based): chr1:100,249,769, C>A on the plus strand (G>T on the coding strand, the complement: DBT is on the minus strand). VCF-style: chr1-100249769-C-A. GRCh37 (hg19) VCF-style: chr1-100715325-C-A.
Other names: c.-553+1G>T (NM_001399972.1); c.-680+1G>T (NM_001399969.1).
Identifiers: ClinVar variation 94003 (VCV000094003.18), dbSNP rs398123669, ClinGen allele CA221891.

ClinVar aggregate classification (germline): Pathogenic/Likely pathogenic. Review status: criteria provided, multiple submitters, no conflicts (2 of 4 stars). 4 submissions from 4 submitters: Pathogenic (2); Likely pathogenic (2). Last evaluated 2024-05-20.

Conditions:
Maple syrup urine disease type 2 (MSUD2). Also called: Maple syrup urine disease, type II. Identifiers: MedGen C1855371, MONDO:0023693, OMIM 620699.
Maple syrup urine disease (MSUD). Identifiers: Orphanet 511, MedGen C0024776, MeSH D008375, MONDO:0009563. Disease mechanism: loss of function.

Allele frequency attached by ClinVar (database versions not stated): gnomAD exomes below 0.00001.
gnomAD v4.1: 2 of 1,614,086 alleles (0.00012%); highest among the groups gnomAD compares: Non-Finnish European, 0.000085%; no homozygotes.

Submissions (4):

Fulgent Genetics
Classification: Likely pathogenic for Maple syrup urine disease type 2. Last evaluated: 2024-05-20. Review status: criteria provided, single submitter. Criteria: ACMG Guidelines, 2015. Collection method: clinical testing. Allele origin: germline.

Labcorp Genetics (formerly Invitae), Labcorp
Classification: Likely pathogenic for Maple syrup urine disease. Last evaluated: 2023-07-25. Review status: criteria provided, single submitter. Criteria: Invitae Variant Classification Sherloc (09022015). Collection method: clinical testing. Allele origin: germline.
Comment: This variant is present in population databases (rs398123669, gnomAD no frequency). This sequence change affects a donor splice site in intron 1 of the DBT gene. It is expected to disrupt RNA splicing. Variants that disrupt the donor or acceptor splice site typically lead to a loss of protein function (PMID: 16199547), and loss-of-function variants in DBT are known to be pathogenic (PMID: 16579849, 16786533). This variant has not been reported in the literature in individuals affected with DBT-related conditions. ClinVar contains an entry for this variant (Variation ID: 94003). Algorithms developed to predict the effect of sequence changes on RNA splicing suggest that this variant may disrupt the consensus splice site. In summary, the currently available evidence indicates that the variant is pathogenic, but additional data are needed to prove that conclusively. Therefore, this variant has been classified as Likely Pathogenic.

Genome-Nilou Lab
Classification: Pathogenic for Maple syrup urine disease type 1A. Last evaluated: 2021-11-07. Review status: criteria provided, single submitter. Criteria: ACMG Guidelines, 2015. Collection method: clinical testing. Allele origin: germline. Affected: no.

Eurofins Ntd Llc (ga)
Classification: Pathogenic. Last evaluated: 2015-06-22. Review status: criteria provided, single submitter. Criteria: EGL Classification Definitions. Collection method: clinical testing. Allele origin: germline. Observed: 2 variant alleles, 2 heterozygotes.

Literature cited by the submitters: PubMed 16199547 (cited by Labcorp Genetics (formerly Invitae), Labcorp); PubMed 16579849 (cited by Labcorp Genetics (formerly Invitae), Labcorp); PubMed 16786533 (cited by Labcorp Genetics (formerly Invitae), Labcorp).